The following is an entry in ClinVar:

NM_006922.4(SCN3A):c.4293+5G>A

Gene: SCN3A (sodium voltage-gated channel alpha subunit 3; minus strand). Cytogenetic location: 2q24.3.
Variant type: single nucleotide variant.
Coding change: c.4293+5G>A on transcript NM_006922.4 (MANE Select); 5 bases into the intron after coding-DNA position 4293, G replaced by A.
Molecular consequence: intron variant.
Genome position (GRCh38, 1-based): chr2:165,096,462, C>T on the plus strand (G>A on the coding strand, the complement: SCN3A is on the minus strand). VCF-style: chr2-165096462-C-T. GRCh37 (hg19) VCF-style: chr2-165952972-C-T.
Other names: c.4146+5G>A (NM_001081676.2, NM_001081677.2).
Identifiers: ClinVar variation 4071781 (VCV004071781.1).

ClinVar aggregate classification (germline): Uncertain significance (1 of 4 stars; one submission).

Submission:

GeneDx
Classification: Uncertain significance. Last evaluated: 2025-01-24. Review status: criteria provided, single submitter. Criteria: GeneDx Variant Classification Process June 2021. Collection method: clinical testing. Allele origin: germline. Affected: yes.
Comment: Not observed at significant frequency in large population cohorts (gnomAD); In silico analysis supports a deleterious effect on splicing; Has not been previously published as pathogenic or benign to our knowledge